The following is an entry in ClinVar:

ClinVar aggregate classification (germline): Benign/Likely benign. Review status: criteria provided, multiple submitters, no conflicts (2 of 4 stars). 8 submissions from 8 submitters: Benign (6); Likely benign (1). 1 of the submissions does not count toward it. Last evaluated 2026-02-04.

Conditions:
Primary hyperoxaluria, type I (HP1). Also called: GLYCOLIC ACIDURIA; HEPATIC AGT DEFICIENCY; Primary hyperoxaluria type 1; OXALOSIS I. Identifiers: Orphanet 416, Orphanet 93598, MedGen C0268164, MONDO:0009823, OMIM 259900. Disease mechanism: loss of function.

Allele frequency attached by ClinVar (database versions not stated): 1000 Genomes Project 30x 0.08073; 1000 Genomes Project 0.08167; TOPMed 0.13491; gnomAD 0.14441 and 0.14826; gnomAD exomes 0.14630; ExAC 0.15306; ESP Exome Variant Server 0.15647.
gnomAD v4.1: 283,690 of 1,565,884 alleles (18%); highest among the groups gnomAD compares: Non-Finnish European, 21%; 28,390 homozygotes.

Submissions (8):

Labcorp Genetics (formerly Invitae), Labcorp
Classification: Benign. Last evaluated: 2026-02-04. Review status: criteria provided, single submitter. Criteria: Invitae Variant Classification Sherloc (09022015). Collection method: clinical testing. Allele origin: germline.

Blueprint Genetics
Classification: Likely benign. Last evaluated: 2024-11-26. Review status: criteria provided, single submitter. Criteria: ACMG Guidelines, 2015. Collection method: clinical testing. Allele origin: germline.

Genome-Nilou Lab
Classification: Benign for Primary hyperoxaluria, type I. Last evaluated: 2021-07-10. Review status: criteria provided, single submitter. Criteria: ACMG Guidelines, 2015. Collection method: clinical testing. Allele origin: germline. Affected: no.

GeneDx
Classification: Benign. Last evaluated: 2018-08-07. Review status: criteria provided, single submitter. Criteria: GeneDx Variant Classification Process June 2021. Collection method: clinical testing. Allele origin: germline. Affected: yes.

Illumina Laboratory Services, Illumina
Classification: Benign for Primary hyperoxaluria, type I. Last evaluated: 2018-01-13. Review status: criteria provided, single submitter. Criteria: ICSL Variant Classification Criteria 13 December 2019. Collection method: clinical testing. Allele origin: germline.
Comment: This variant was observed in the ICSL laboratory as part of a predisposition screen in an ostensibly healthy population. It had not been previously curated by ICSL or reported in the Human Gene Mutation Database (HGMD: prior to June 1st, 2018), and was therefore a candidate for classification through an automated scoring system. Utilizing variant allele frequency, disease prevalence and penetrance estimates, and inheritance mode, an automated score was calculated to assess if this variant is too frequent to cause the disease. Based on the score and internal cut-off values, a variant classified as benign is not then subjected to further curation. The score for this variant resulted in a classification of benign for this disease.

Breakthrough Genomics
Classification: Benign. Review status: criteria provided, single submitter. Criteria: ACMG Guidelines, 2015. Collection method: not provided. Allele origin: germline. Inheritance: Autosomal recessive inheritance. Affected: yes.

PreventionGenetics, part of Exact Sciences
Classification: Benign. Review status: criteria provided, single submitter. Criteria: ACMG Guidelines, 2015. Collection method: clinical testing. Allele origin: germline.

Clinical Biochemistry Laboratory, Health Services Laboratory
Classification: Uncertain significance for Primary hyperoxaluria, type I. Last evaluated: 2014-11-27. Review status: no assertion criteria provided. Collection method: research. Allele origin: germline. Affected: yes. Not counted in ClinVar's aggregate classification.

NM_000030.3(AGXT):c.358+13C>T

Gene: AGXT (alanine--glyoxylate aminotransferase; plus strand). Cytogenetic location: 2q37.3.
Variant type: single nucleotide variant.
Coding change: c.358+13C>T on transcript NM_000030.3 (MANE Select); 13 bases into the intron after coding-DNA position 358, C replaced by T.
Molecular consequence: intron variant.
Genome position (GRCh38, 1-based): chr2:240,869,375, C>T. VCF-style: chr2-240869375-C-T. GRCh37 (hg19) VCF-style: chr2-241808792-C-T.
Identifiers: ClinVar variation 204032 (VCV000204032.22), dbSNP rs34995778, ClinGen allele CA275568.
Genomic context (GRCh38, chr2:240,869,375, plus strand): 5'-CCAATGGCATTTGGGGGCAGCGAGCCGTGGACATCGGGGAGCGCATAGGTAAGGGAGAGG[C>T]CCAGGTGGGGATGGCCCTGGATCCATCCTTCAAGGCCTCCCTGGCCTCCCTCTGTTTGAA-3'